The following is an entry in ClinVar:

NM_003673.4(TCAP):c.97C>G (p.Arg33Gly)

Gene: TCAP (titin-cap; plus strand). Cytogenetic location: 17q12.
Variant type: single nucleotide variant.
Coding change: c.97C>G on transcript NM_003673.4 (MANE Select); coding-DNA position 97, C replaced by G.
Protein change: p.Arg33Gly; replaces arginine 33 with glycine.
Molecular consequence: missense variant.
Genome position (GRCh38, 1-based): chr17:39,665,456, C>G. VCF-style: chr17-39665456-C-G. GRCh37 (hg19) VCF-style: chr17-37821709-C-G.
Other names: short protein forms R33G.
Identifiers: ClinVar variation 4615082 (VCV004615082.2).

ClinVar aggregate classification (germline): Uncertain significance. Review status: criteria provided, multiple submitters, no conflicts (2 of 4 stars). 2 submissions from 2 submitters: Uncertain significance (2). Last evaluated 2025-09-15.

Conditions:
Cardiovascular phenotype. Identifiers: MedGen CN230736.

gnomAD v4.1: 1 of 1,613,312 alleles (0.000062%); highest among the groups gnomAD compares: South Asian, 0.0011%; no homozygotes.

Submissions (2):

Ambry Genetics
Classification: Uncertain significance for Cardiovascular phenotype. Last evaluated: 2025-09-15. Review status: criteria provided, single submitter. Criteria: Ambry Variant Classification Scheme 2023. Collection method: clinical testing. Allele origin: germline.
Comment: The p.R33G variant (also known as c.97C>G), located in coding exon 1 of the TCAP gene, results from a C to G substitution at nucleotide position 97. The arginine at codon 33 is replaced by glycine, an amino acid with dissimilar properties. This amino acid position is well conserved in available vertebrate species. In addition, this alteration is predicted to be deleterious by in silico analysis. Based on the available evidence, the clinical significance of this variant remains unclear.

Blueprint Genetics
Classification: Uncertain significance. Last evaluated: 2023-10-06. Review status: criteria provided, single submitter. Criteria: ACMG Guidelines, 2015. Collection method: clinical testing. Allele origin: germline.